The following is an entry in ClinVar:

ClinVar aggregate classification (germline): Uncertain significance (1 of 4 stars; one submission).

Conditions:
Singleton-Merten syndrome 1 (SGMRT1). Also called: Widened medullary cavities of bone, aortic calcification, abnormal dentition, and muscular weakness; Syndrome of widened medullary cavities of the metacarpals and phalanges, aortic calcification and abnormal dentition. Identifiers: Orphanet 85191, MedGen C4225427, MONDO:0024535, OMIM 182250.
Aicardi-Goutieres syndrome 7 (AGS7). Identifiers: Orphanet 51, MedGen C3888244, MONDO:0014367, OMIM 615846.

Submission:

Labcorp Genetics (formerly Invitae), Labcorp
Classification: Uncertain significance for Aicardi-Goutieres syndrome 7; Singleton-Merten syndrome 1. Last evaluated: 2025-06-11. Review status: criteria provided, single submitter. Criteria: Invitae Variant Classification Sherloc (09022015). Collection method: clinical testing. Allele origin: germline.
Comment: This sequence change replaces isoleucine, which is neutral and non-polar, with threonine, which is neutral and polar, at codon 641 of the IFIH1 protein (p.Ile641Thr). This variant is not present in population databases (gnomAD no frequency). This variant has not been reported in the literature in individuals affected with IFIH1-related conditions. ClinVar contains an entry for this variant (Variation ID: 3762380). Invitae Evidence Modeling of protein sequence and biophysical properties (such as structural, functional, and spatial information, amino acid conservation, physicochemical variation, residue mobility, and thermodynamic stability) has been performed for this missense variant. However, the output from this modeling did not meet the statistical confidence thresholds required to predict the impact of this variant on IFIH1 protein function. In summary, the available evidence is currently insufficient to determine the role of this variant in disease. Therefore, it has been classified as a Variant of Uncertain Significance.

NM_022168.4(IFIH1):c.1922T>C (p.Ile641Thr)

Gene: IFIH1 (interferon induced with helicase C domain 1; minus strand). Cytogenetic location: 2q24.2.
Variant type: single nucleotide variant.
Coding change: c.1922T>C on transcript NM_022168.4 (MANE Select); coding-DNA position 1922, T replaced by C.
Protein change: p.Ile641Thr; replaces isoleucine 641 with threonine.
Molecular consequence: missense variant.
Genome position (GRCh38, 1-based): chr2:162,277,537, A>G on the plus strand (T>C on the coding strand, the complement: IFIH1 is on the minus strand). VCF-style: chr2-162277537-A-G. GRCh37 (hg19) VCF-style: chr2-163134047-A-G.
Other names: short protein forms I641T.
Identifiers: ClinVar variation 3762380 (VCV003762380.2).